The following is an entry in ClinVar:

NM_004187.5(KDM5C):c.2595C>T (p.Cys865=)

Gene: KDM5C (lysine demethylase 5C; minus strand). Cytogenetic location: Xp11.22.
Variant type: single nucleotide variant.
Coding change: c.2595C>T on transcript NM_004187.5 (MANE Select); coding-DNA position 2595, C replaced by T.
Protein change: p.Cys865=; no amino-acid change (cysteine 865 retained).
Molecular consequence: synonymous variant. On other transcripts: non-coding transcript variant (3).
Genome position (GRCh38, 1-based): chrX:53,197,798, G>A on the plus strand (C>T on the coding strand, the complement: KDM5C is on the minus strand). VCF-style: chrX-53197798-G-A. GRCh37 (hg19) VCF-style: chrX-53226980-G-A.
Other names: c.2394C>T, p.Cys798= (NM_001146702.2); c.2592C>T, p.Cys864= (NM_001282622.3, NM_001353979.2, NM_001353982.2); c.2595C>T, p.Cys865= (NM_001353978.3, NM_001353981.2, NM_001353984.2).
Identifiers: ClinVar variation 698473 (VCV000698473.35), dbSNP rs371450943, ClinGen allele CA10419359.

ClinVar aggregate classification (germline): Likely benign. Review status: criteria provided, multiple submitters, no conflicts (2 of 4 stars). 3 submissions from 3 submitters: Likely benign (3). Last evaluated 2025-10-27.

Conditions:
Spastic paraplegia. Identifiers: MedGen C0037772, HP:0001258.

Allele frequency attached by ClinVar (database versions not stated): TOPMed 0.00015; gnomAD exomes 0.00016 and 0.00032; 1000 Genomes Project 30x 0.00021; gnomAD 0.00021 and 0.00023; 1000 Genomes Project 0.00026; ExAC 0.00027; ESP Exome Variant Server 0.00038.
gnomAD v4.1: 368 of 1,203,363 alleles (0.031%); highest among the groups gnomAD compares: Middle Eastern, 0.046%; no homozygotes.

Submissions (3):

Labcorp Genetics (formerly Invitae), Labcorp
Classification: Likely benign for Spastic paraplegia. Last evaluated: 2025-10-27. Review status: criteria provided, single submitter. Criteria: Invitae Variant Classification Sherloc (09022015). Collection method: clinical testing. Allele origin: germline.

Blueprint Genetics
Classification: Likely benign. Last evaluated: 2024-11-27. Review status: criteria provided, single submitter. Criteria: ACMG Guidelines, 2015. Collection method: clinical testing. Allele origin: germline.

CeGaT Center for Human Genetics Tuebingen
Classification: Likely benign. Last evaluated: 2023-08-01. Review status: criteria provided, single submitter. Criteria: CeGaT Center For Human Genetics Tuebingen Variant Classification Criteria Version 2. Collection method: clinical testing. Allele origin: germline. Affected: yes. Observed: 2 variant alleles.
Comment: KDM5C: BP4, BP7, BS2